The following is an entry in ClinVar:

ClinVar aggregate classification (germline): Benign (0 of 4 stars; one submission).

Conditions:
METTL13-related disorder. Also called: METTL13-related condition.

Allele frequency attached by ClinVar (database versions not stated): gnomAD exomes 0.27647; ESP Exome Variant Server 0.28479; ExAC 0.28576; gnomAD 0.29476; TOPMed 0.29568; 1000 Genomes Project 0.30691; 1000 Genomes Project 30x 0.30824.

Submission:

PreventionGenetics, part of Exact Sciences
Classification: Benign for METTL13-related condition. Last evaluated: 2019-10-17. Review status: no assertion criteria provided. Collection method: clinical testing. Allele origin: germline.
Comment: This variant is classified as benign based on ACMG/AMP sequence variant interpretation guidelines (Richards et al. 2015 PMID: 25741868, with internal and published modifications).

NM_015935.5(METTL13):c.313A>G (p.Met105Val)

Gene: METTL13 (methyltransferase 13, eEF1A N-terminus and K55; plus strand). Cytogenetic location: 1q24.3.
Variant type: single nucleotide variant.
Coding change: c.313A>G on transcript NM_015935.5 (MANE Select); coding-DNA position 313, A replaced by G.
Protein change: p.Met105Val; replaces methionine 105 with valine.
Molecular consequence: missense variant.
Genome position (GRCh38, 1-based): chr1:171,783,899, A>G. VCF-style: chr1-171783899-A-G. GRCh37 (hg19) VCF-style: chr1-171753039-A-G.
Other names: c.313A>G, p.Met105Val (NM_001007239.2); c.55A>G, p.Met19Val (NM_014955.3); short protein forms M105V, M19V.
Identifiers: ClinVar variation 3060395 (VCV003060395.2), dbSNP rs2232816, ClinGen allele CA1244595.
Genomic context (GRCh38, chr1:171,783,899, plus strand): 5'-AAGCAAATGAAGGAATGTAATGCCACCCGACGGCCCCAGATGAGCTTCTTGAAGATGGAC[A>G]TGACGCAGATGGAGTTTCCTGATGCCTCGTTCCAGGTGGTGTTGGACAAGGGCACCCTGG-3'
Protein context (NP_057019.3, residues 95-115): RPQMSFLKMD[Met105Val]TQMEFPDASF